The following is an entry in ClinVar:

NM_001197104.2(KMT2A):c.238G>C (p.Ala80Pro)

Gene: KMT2A (lysine methyltransferase 2A; plus strand). Cytogenetic location: 11q23.3.
Variant type: single nucleotide variant.
Coding change: c.238G>C on transcript NM_001197104.2 (MANE Select); coding-DNA position 238, G replaced by C.
Protein change: p.Ala80Pro; replaces alanine 80 with proline.
Molecular consequence: missense variant.
Genome position (GRCh38, 1-based): chr11:118,436,750, G>C. VCF-style: chr11-118436750-G-C. GRCh37 (hg19) VCF-style: chr11-118307465-G-C.
Other names: c.238G>C, p.Ala80Pro (NM_001412597.1, NM_005933.4); short protein forms A80P.
Identifiers: ClinVar variation 2866661 (VCV002866661.3), dbSNP rs782191019, ClinGen allele CA6303216.

ClinVar aggregate classification (germline): Uncertain significance (1 of 4 stars; one submission).

Allele frequency attached by ClinVar (database versions not stated): ExAC 0.00003.
gnomAD v4.1: 8 of 1,588,500 alleles (0.0005%); highest among the groups gnomAD compares: South Asian, 0.009%; no homozygotes.

Submission:

Labcorp Genetics (formerly Invitae), Labcorp
Classification: Uncertain significance. Last evaluated: 2024-01-19. Review status: criteria provided, single submitter. Criteria: Invitae Variant Classification Sherloc (09022015). Collection method: clinical testing. Allele origin: germline.
Comment: This sequence change replaces alanine, which is neutral and non-polar, with proline, which is neutral and non-polar, at codon 80 of the KMT2A protein (p.Ala80Pro). This variant is present in population databases (rs782191019, gnomAD 0.01%). This variant has not been reported in the literature in individuals affected with KMT2A-related conditions. Advanced modeling of protein sequence and biophysical properties (such as structural, functional, and spatial information, amino acid conservation, physicochemical variation, residue mobility, and thermodynamic stability) performed at Invitae indicates that this missense variant is not expected to disrupt KMT2A protein function with a negative predictive value of 95%. In summary, the available evidence is currently insufficient to determine the role of this variant in disease. Therefore, it has been classified as a Variant of Uncertain Significance.